The following is an entry in ClinVar:

ClinVar aggregate classification (germline): Uncertain significance (1 of 4 stars; one submission).

Conditions:
Neurofibromatosis, type 1 (NF1). Also called: Neurofibromatosis, type I; VON RECKLINGHAUSEN DISEASE; Peripheral type neurofibromatosis; NEUROFIBROMATOSIS, TYPE I, SOMATIC. Identifiers: Orphanet 636, MedGen C0027831, MONDO:0018975, OMIM 162200. Disease mechanism: loss of function.

Submission:

Labcorp Genetics (formerly Invitae), Labcorp
Classification: Uncertain significance for Neurofibromatosis, type 1. Last evaluated: 2019-12-19. Review status: criteria provided, single submitter. Criteria: Invitae Variant Classification Sherloc (09022015). Collection method: clinical testing. Allele origin: germline.
Comment: In summary, the available evidence is currently insufficient to determine the role of this variant in disease. Therefore, it has been classified as a Variant of Uncertain Significance. Algorithms developed to predict the effect of sequence changes on RNA splicing suggest that this variant may create or strengthen a splice site, but this prediction has not been confirmed by published transcriptional studies. Algorithms developed to predict the effect of missense changes on protein structure and function are either unavailable or do not agree on the potential impact of this missense change (SIFT: "Deleterious"; PolyPhen-2: "Probably Damaging"; Align-GVGD: "Class C0"). This variant has not been reported in the literature in individuals with NF1-related conditions. This variant is not present in population databases (ExAC no frequency). This sequence change replaces asparagine with lysine at codon 2071 of the NF1 protein (p.Asn2071Lys). The asparagine residue is moderately conserved and there is a moderate physicochemical difference between asparagine and lysine.

NM_001042492.3(NF1):c.6276T>G (p.Asn2092Lys)

Gene: NF1 (neurofibromin 1; plus strand). Cytogenetic location: 17q11.2.
Variant type: single nucleotide variant.
Coding change: c.6276T>G on transcript NM_001042492.3 (MANE Select); coding-DNA position 6276, T replaced by G.
Protein change: p.Asn2092Lys; replaces asparagine 2092 with lysine.
Molecular consequence: missense variant.
Genome position (GRCh38, 1-based): chr17:31,336,763, T>G. VCF-style: chr17-31336763-T-G. GRCh37 (hg19) VCF-style: chr17-29663781-T-G.
Other names: c.6213T>G, p.Asn2071Lys (NM_000267.4); short protein forms N2071K, N2092K.
Identifiers: ClinVar variation 860221 (VCV000860221.8), dbSNP rs2069685829, ClinGen allele CA399012191.